The following is an entry in ClinVar:

ClinVar aggregate classification (germline): Likely benign. Review status: criteria provided, multiple submitters, no conflicts (2 of 4 stars). 3 submissions from 3 submitters: Likely benign (3). Last evaluated 2025-10-10.

Allele frequency attached by ClinVar (database versions not stated): ESP Exome Variant Server 0.00015; ExAC 0.00016; gnomAD exomes 0.00016 and 0.00024; gnomAD 0.00019; TOPMed 0.00023; 1000 Genomes Project 0.00040; 1000 Genomes Project 30x 0.00047.
gnomAD v4.1: 391 of 1,611,268 alleles (0.024%); highest among the groups gnomAD compares: Admixed American, 0.033%; no homozygotes.

Submissions (3):

Labcorp Genetics (formerly Invitae), Labcorp
Classification: Likely benign. Last evaluated: 2025-10-10. Review status: criteria provided, single submitter. Criteria: Invitae Variant Classification Sherloc (09022015). Collection method: clinical testing. Allele origin: germline.

Blueprint Genetics
Classification: Likely benign. Last evaluated: 2024-10-28. Review status: criteria provided, single submitter. Criteria: ACMG Guidelines, 2015. Collection method: clinical testing. Allele origin: germline.

Laboratory for Molecular Medicine, Mass General Brigham Personalized Medicine
Classification: Likely benign. Last evaluated: 2012-04-30. Review status: criteria provided, single submitter. Criteria: LMM Criteria. Collection method: clinical testing. Allele origin: germline. Observed: 1 variant allele.
Comment: 6250+12C>T in Intron 21 of TECTA: This variant is not expected to have clinical significance because it is not located within the conserved splice consensus seq uence and has been identified in 2/7020 European American chromosomes from a bro ad population by the NHLBI Exome Sequencing Project (u/EVS).

NM_005422.4(TECTA):c.6250+12C>T

Genes: TBCEL-TECTA (TBCEL-TECTA readthrough; plus strand), TECTA (tectorin alpha; plus strand). Cytogenetic location: 11q23.3.
Variant type: single nucleotide variant.
Coding change: c.6250+12C>T on transcript NM_005422.4 (MANE Select); 12 bases into the intron after coding-DNA position 6250, C replaced by T.
Molecular consequence: intron variant.
Genome position (GRCh38, 1-based): chr11:121,189,179, C>T. VCF-style: chr11-121189179-C-T. GRCh37 (hg19) VCF-style: chr11-121059888-C-T.
Other names: c.7192+12C>T (NM_001378761.1).
Identifiers: ClinVar variation 228003 (VCV000228003.9), dbSNP rs199696601, ClinGen allele CA6327921.